The following is an entry in ClinVar:

NM_016373.4(WWOX):c.1231_1233del (p.Ser411del)

Genes: MAF (MAF bZIP transcription factor; minus strand), WWOX (WW domain containing oxidoreductase; plus strand). Cytogenetic location: 16q23.2.
Variant type: Deletion.
Coding change: c.1231_1233del on transcript NM_016373.4 (MANE Select); coding-DNA positions 1231 to 1233, 3 bases deleted (AGC; older notation c.1231_1233delAGC).
Protein change: p.Ser411del; deletes serine 411.
Molecular consequence: inframe deletion.
Genome position (GRCh38, 1-based): chr16:79,211,782-79,211,784, AGC deleted; deleting any 3 consecutive bases within chr16:79,211,780-79,211,784 gives the same sequence; the c. name uses the placement nearest the transcript's 3' end. VCF-style (leftmost placement, unchanged base first): chr16-79211779-GGCA-G. GRCh37 (hg19) VCF-style: chr16-79245676-GGCA-G.
Other names: c.892_894del, p.Ser298del (NM_001291997.2); short protein forms S411del, S298del.
Identifiers: ClinVar variation 374383 (VCV000374383.7), dbSNP rs770788315, ClinGen allele CA8183803.

ClinVar aggregate classification (germline): Uncertain significance. Review status: criteria provided, single submitter (1 of 4 stars). 2 submissions from 2 submitters: Uncertain significance (1). 1 of the submissions does not count toward it. Last evaluated 2022-08-30.

Conditions:
Developmental and epileptic encephalopathy, 1 (DEE1). Also called: INFANTILE SPASM SYNDROME, X-LINKED 1; X-linked infantile spasms; West's syndrome; Tonic spasms with clustering, arrest of psychomotor development and hypsarrhythmia on EEG; X-Linked Infantile Spasm Syndrome; Epileptic encephalopathy, early infantile, 1. Identifiers: MedGen C3463992, MONDO:0010632, OMIM 308350. Disease mechanism: loss of function.
Autosomal recessive spinocerebellar ataxia 12. Also called: SPINOCEREBELLAR ATAXIA WITH MENTAL RETARDATION AND EPILEPSY. Identifiers: Orphanet 284282, MedGen C3280452, MONDO:0013687, OMIM 614322.

Submissions (2):

Labcorp Genetics (formerly Invitae), Labcorp
Classification: Uncertain significance for Developmental and epileptic encephalopathy, 1; Autosomal recessive spinocerebellar ataxia 12. Last evaluated: 2022-08-30. Review status: criteria provided, single submitter. Criteria: Invitae Variant Classification Sherloc (09022015). Collection method: clinical testing. Allele origin: germline.
Comment: This variant, c.1231_1233del, results in the deletion of 1 amino acid(s) of the WWOX protein (p.Ser411del), but otherwise preserves the integrity of the reading frame. This variant is present in population databases (rs770788315, gnomAD 0.006%). This variant has been observed in individual(s) with global developmental delay and multiple congenital anomalies (PMID: 27959697). ClinVar contains an entry for this variant (Variation ID: 374383). Experimental studies and prediction algorithms are not available or were not evaluated, and the functional significance of this variant is currently unknown. In summary, the available evidence is currently insufficient to determine the role of this variant in disease. Therefore, it has been classified as a Variant of Uncertain Significance.

Baylor Genetics
Classification: Uncertain significance for Autosomal recessive spinocerebellar ataxia 12. Last evaluated: 2014-04-30. Review status: no assertion criteria provided. Collection method: clinical testing. Allele origin: maternal. Inheritance: Autosomal recessive inheritance. Affected: yes. Observed: 1 variant allele, 1 compound heterozygote. Not counted in ClinVar's aggregate classification.

Literature cited by the submitters: PubMed 27959697 (cited by Labcorp Genetics (formerly Invitae), Labcorp).